The following is an entry in ClinVar:

ClinVar aggregate classification (germline): Likely benign (0 of 4 stars; one submission).

Conditions:
BMP15-related disorder. Also called: BMP15-related condition.

Allele frequency attached by ClinVar (database versions not stated): TOPMed 0.00001; gnomAD 0.00004; gnomAD exomes 0.00008; ExAC 0.00014; 1000 Genomes Project 30x 0.00021; 1000 Genomes Project 0.00026.

Submission:

PreventionGenetics, part of Exact Sciences
Classification: Likely benign for BMP15-related condition. Last evaluated: 2022-05-20. Review status: no assertion criteria provided. Collection method: clinical testing. Allele origin: germline.
Comment: This variant is classified as likely benign based on ACMG/AMP sequence variant interpretation guidelines (Richards et al. 2015 PMID: 25741868, with internal and published modifications).

NM_005448.2(BMP15):c.652C>T (p.Leu218Phe)

Gene: BMP15 (bone morphogenetic protein 15; plus strand). Cytogenetic location: Xp11.22.
Variant type: single nucleotide variant.
Coding change: c.652C>T on transcript NM_005448.2 (MANE Select); coding-DNA position 652, C replaced by T.
Protein change: p.Leu218Phe; replaces leucine 218 with phenylalanine.
Molecular consequence: missense variant.
Genome position (GRCh38, 1-based): chrX:50,916,080, C>T. VCF-style: chrX-50916080-C-T. GRCh37 (hg19) VCF-style: chrX-50659080-C-T.
Other names: short protein forms L218F.
Identifiers: ClinVar variation 3031725 (VCV003031725.2), dbSNP rs782213080, ClinGen allele CA10416582.